The following is an entry in ClinVar:

ClinVar aggregate classification (germline): Uncertain significance. Review status: criteria provided, multiple submitters, no conflicts (2 of 4 stars). 3 submissions from 3 submitters: Uncertain significance (2). 1 of the submissions does not count toward it. Last evaluated 2024-11-21.

Conditions:
Inborn genetic diseases. Identifiers: MedGen C0950123, MeSH D030342.
RP1L1-related disorder. Also called: RP1L1-related condition.

Allele frequency attached by ClinVar (database versions not stated): ExAC 0.00003; gnomAD exomes 0.00004; gnomAD 0.00005; ESP Exome Variant Server 0.00008; TOPMed 0.00008.

Submissions (3):

Ambry Genetics
Classification: Uncertain significance for Inborn genetic diseases. Last evaluated: 2024-11-21. Review status: criteria provided, single submitter. Criteria: Ambry Variant Classification Scheme 2023. Collection method: clinical testing. Allele origin: germline.

Blueprint Genetics
Classification: Uncertain significance. Last evaluated: 2024-07-29. Review status: criteria provided, single submitter. Criteria: ACMG Guidelines, 2015. Collection method: clinical testing. Allele origin: germline.

PreventionGenetics, part of Exact Sciences
Classification: Uncertain significance for RP1L1-related condition. Last evaluated: 2024-09-05. Review status: no assertion criteria provided. Collection method: clinical testing. Allele origin: germline. Not counted in ClinVar's aggregate classification.
Comment: The RP1L1 c.4379C>T variant is predicted to result in the amino acid substitution p.Thr1460Met. To our knowledge, this variant has not been reported in the literature. This variant is reported in 0.021% of alleles in individuals of African descent in gnomAD. At this time, the clinical significance of this variant is uncertain due to the absence of conclusive functional and genetic evidence.

NM_178857.6(RP1L1):c.4379C>T (p.Thr1460Met)

Gene: RP1L1 (RP1 like 1). Cytogenetic location: 8p23.1.
Variant type: single nucleotide variant.
Coding change: c.4379C>T on transcript NM_178857.6 (MANE Select); coding-DNA position 4379, C replaced by T.
Protein change: p.Thr1460Met; replaces threonine 1460 with methionine.
Molecular consequence: missense variant.
Genome position (GRCh38, 1-based): chr8:10,609,719, G>A on the plus strand (C>T on the coding strand, the complement: RP1L1 is on the minus strand). VCF-style: chr8-10609719-G-A. GRCh37 (hg19) VCF-style: chr8-10467229-G-A.
Other names: short protein forms T1460M.
Identifiers: ClinVar variation 3155849 (VCV003155849.4), dbSNP rs375792018, ClinGen allele CA4624052.
Genomic context (GRCh38, chr8:10,609,719, plus strand): 5'-GGCTTTTCCAAACCAGGCTCAAGCTGGGAGCCACTCTGCCTCTCGCTGGCACTTGGGTCC[G>A]TCTCGCTGAGATGACTAGGGGGCTCTGTGGGTTCCTCTGTGCCCTCTGCGGGGCACGGCT-3'
Protein context (NP_849188.4, residues 1450-1470): PTEPPSHLSE[Thr1460Met]DPSASERQSG